The following is an entry in ClinVar:

ClinVar aggregate classification (germline): Likely pathogenic (1 of 4 stars; one submission).

Conditions:
Glycogen storage disease, type V (GSD5). Also called: McArdle type glycogen storage disease; PYGM DEFICIENCY; MCARDLE DISEASE; MUSCLE GLYCOGEN PHOSPHORYLASE DEFICIENCY; MYOPHOSPHORYLASE DEFICIENCY. Identifiers: Orphanet 368, MedGen C0017924, MONDO:0009293, OMIM 232600.

Allele frequency attached by ClinVar (database versions not stated): gnomAD 0.00001; gnomAD exomes 0.00001; TOPMed 0.00001.

Submission:

Labcorp Genetics (formerly Invitae), Labcorp
Classification: Likely pathogenic for Glycogen storage disease, type V. Last evaluated: 2023-09-22. Review status: criteria provided, single submitter. Criteria: Invitae Variant Classification Sherloc (09022015). Collection method: clinical testing. Allele origin: germline.
Comment: In summary, the currently available evidence indicates that the variant is pathogenic, but additional data are needed to prove that conclusively. Therefore, this variant has been classified as Likely Pathogenic. Advanced modeling of protein sequence and biophysical properties (such as structural, functional, and spatial information, amino acid conservation, physicochemical variation, residue mobility, and thermodynamic stability) performed at Invitae indicates that this missense variant is expected to disrupt PYGM protein function. ClinVar contains an entry for this variant (Variation ID: 631664). This missense change has been observed in individual(s) with McArdle disease (PMID: 34534370). This variant is not present in population databases (gnomAD no frequency). This sequence change replaces lysine, which is basic and polar, with glutamic acid, which is acidic and polar, at codon 575 of the PYGM protein (p.Lys575Glu).

Literature cited by the submitters: PubMed 34534370.

NM_005609.4(PYGM):c.1723A>G (p.Lys575Glu)

Gene: PYGM (glycogen phosphorylase, muscle associated; minus strand). Cytogenetic location: 11q13.1.
Variant type: single nucleotide variant.
Coding change: c.1723A>G on transcript NM_005609.4 (MANE Select); coding-DNA position 1723, A replaced by G.
Protein change: p.Lys575Glu; replaces lysine 575 with glutamic acid.
Molecular consequence: missense variant.
Genome position (GRCh38, 1-based): chr11:64,751,969, T>C on the plus strand (A>G on the coding strand, the complement: PYGM is on the minus strand). VCF-style: chr11-64751969-T-C. GRCh37 (hg19) VCF-style: chr11-64519441-T-C.
Other names: c.1459A>G, p.Lys487Glu (NM_001164716.1); short protein forms K575E, K487E.
Identifiers: ClinVar variation 631664 (VCV000631664.7), dbSNP rs1315020035, ClinGen allele CA381170544.